The following is an entry in ClinVar:

ClinVar aggregate classification (germline): Uncertain significance (1 of 4 stars; one submission).

Submission:

Labcorp Genetics (formerly Invitae), Labcorp
Classification: Uncertain significance. Last evaluated: 2023-11-17. Review status: criteria provided, single submitter. Criteria: Invitae Variant Classification Sherloc (09022015). Collection method: clinical testing. Allele origin: germline.
Comment: This sequence change replaces threonine, which is neutral and polar, with isoleucine, which is neutral and non-polar, at codon 211 of the HNF4A protein (p.Thr211Ile). This variant is not present in population databases (gnomAD no frequency). This variant has not been reported in the literature in individuals affected with HNF4A-related conditions. Advanced modeling of protein sequence and biophysical properties (such as structural, functional, and spatial information, amino acid conservation, physicochemical variation, residue mobility, and thermodynamic stability) has been performed at Invitae for this missense variant, however the output from this modeling did not meet the statistical confidence thresholds required to predict the impact of this variant on HNF4A protein function. In summary, the available evidence is currently insufficient to determine the role of this variant in disease. Therefore, it has been classified as a Variant of Uncertain Significance.

NM_175914.5(HNF4A):c.632C>T (p.Thr211Ile)

Gene: HNF4A (hepatocyte nuclear factor 4 alpha; plus strand). Cytogenetic location: 20q13.12.
Variant type: single nucleotide variant.
Coding change: c.632C>T on transcript NM_175914.5 (MANE Select); coding-DNA position 632, C replaced by T.
Protein change: p.Thr211Ile; replaces threonine 211 with isoleucine.
Molecular consequence: missense variant.
Genome position (GRCh38, 1-based): chr20:44,418,474, C>T. VCF-style: chr20-44418474-C-T. GRCh37 (hg19) VCF-style: chr20-43047114-C-T.
Other names: c.698C>T, p.Thr233Ile (NM_000457.6, NM_178849.3, NM_178850.3); c.632C>T, p.Thr211Ile (NM_001030003.3, NM_001030004.3); c.677C>T, p.Thr226Ile (NM_001258355.2); c.623C>T, p.Thr208Ile (NM_001287182.2, NM_001287183.2, NM_001287184.2); short protein forms T211I, T208I, T233I, T226I.
Identifiers: ClinVar variation 2724077 (VCV002724077.3), dbSNP rs2515693149, ClinGen allele CA409106918.
Genomic context (GRCh38, chr20:44,418,474, plus strand): 5'-CTCTCTTTCAGGTGGCCCTGCTCAGAGCCCATGCTGGCGAGCACCTGCTGCTCGGAGCCA[C>T]CAAGAGATCCATGGTGTTCAAGGACGTGCTGCTCCTAGGTGAGGCGGCTGCCTGCCCTGG-3'
Protein context (NP_787110.2, residues 201-221): HAGEHLLLGA[Thr211Ile]KRSMVFKDVL